The following is an entry in ClinVar:

ClinVar aggregate classification (germline): Benign/Likely benign. Review status: criteria provided, multiple submitters, no conflicts (2 of 4 stars). 6 submissions from 6 submitters: Benign (3); Likely benign (2). 1 of the submissions does not count toward it. Last evaluated 2026-01-28.

Conditions:
TH-related disorder. Also called: TH-related condition.
TH-deficient dopa-responsive dystonia. Also called: DYT-TH; Tyrosine Hydroxylase-Deficient Dopa-Responsive Dystonia; Segawa syndrome, autosomal recessive. Identifiers: Orphanet 101150, MedGen C2673535, MONDO:0011551, OMIM 605407.

Allele frequency attached by ClinVar (database versions not stated): 1000 Genomes Project 0.00519; ExAC 0.00183; gnomAD 0.00494 and 0.00547; TOPMed 0.00579; gnomAD exomes 0.00042 and 0.00122; 1000 Genomes Project 30x 0.00547; ESP Exome Variant Server 0.00616.
gnomAD v4.1: 1,395 of 1,611,654 alleles (0.087%); highest among the groups gnomAD compares: African/African-American, 1.7%; 13 homozygotes.

Submissions (6):

Labcorp Genetics (formerly Invitae), Labcorp
Classification: Benign for TH-deficient dopa-responsive dystonia. Last evaluated: 2026-01-28. Review status: criteria provided, single submitter. Criteria: Invitae Variant Classification Sherloc (09022015). Collection method: clinical testing. Allele origin: germline.

GeneDx
Classification: Likely benign. Last evaluated: 2021-06-11. Review status: criteria provided, single submitter. Criteria: GeneDx Variant Classification Process June 2021. Collection method: clinical testing. Allele origin: germline. Affected: yes.

Athena Diagnostics
Classification: Benign. Last evaluated: 2018-12-03. Review status: criteria provided, single submitter. Criteria: Athena Diagnostics Criteria. Collection method: clinical testing. Allele origin: germline.

Illumina Laboratory Services, Illumina
Classification: Benign for TH-deficient dopa-responsive dystonia. Last evaluated: 2018-01-12. Review status: criteria provided, single submitter. Criteria: ICSL Variant Classification Criteria 13 December 2019. Collection method: clinical testing. Allele origin: germline.
Comment: This variant was observed in the ICSL laboratory as part of a predisposition screen in an ostensibly healthy population. It had not been previously curated by ICSL or reported in the Human Gene Mutation Database (HGMD: prior to June 1st, 2018), and was therefore a candidate for classification through an automated scoring system. Utilizing variant allele frequency, disease prevalence and penetrance estimates, and inheritance mode, an automated score was calculated to assess if this variant is too frequent to cause the disease. Based on the score and internal cut-off values, a variant classified as benign is not then subjected to further curation. The score for this variant resulted in a classification of benign for this disease.

Breakthrough Genomics
Classification: Likely benign. Review status: criteria provided, single submitter. Criteria: ACMG Guidelines, 2015. Collection method: not provided. Allele origin: germline. Inheritance: Autosomal recessive inheritance. Affected: yes.

PreventionGenetics, part of Exact Sciences
Classification: Benign for TH-related condition. Last evaluated: 2020-06-22. Review status: no assertion criteria provided. Collection method: clinical testing. Allele origin: germline. Not counted in ClinVar's aggregate classification.
Comment: This variant is classified as benign based on ACMG/AMP sequence variant interpretation guidelines (Richards et al. 2015 PMID: 25741868, with internal and published modifications).

NM_000360.4(TH):c.579C>T (p.Gly193=)

Gene: TH (tyrosine hydroxylase; minus strand). Cytogenetic location: 11p15.5.
Variant type: single nucleotide variant.
Coding change: c.579C>T on transcript NM_000360.4 (MANE Select); coding-DNA position 579, C replaced by T.
Protein change: p.Gly193=; no amino-acid change (glycine 193 retained).
Molecular consequence: synonymous variant.
Genome position (GRCh38, 1-based): chr11:2,167,931, G>A on the plus strand (C>T on the coding strand, the complement: TH is on the minus strand). VCF-style: chr11-2167931-G-A. GRCh37 (hg19) VCF-style: chr11-2189161-G-A.
Other names: c.672C>T, p.Gly224= (NM_199292.3); c.660C>T, p.Gly220= (NM_199293.3).
Identifiers: ClinVar variation 417039 (VCV000417039.21), dbSNP rs147852210, ClinGen allele CA5818587.